The following is an entry in ClinVar:

ClinVar aggregate classification (germline): Pathogenic. Review status: criteria provided, multiple submitters, no conflicts (2 of 4 stars). 2 submissions from 2 submitters: Pathogenic (2). Last evaluated 2025-11-27.

Conditions:
Hereditary nonpolyposis colorectal neoplasms. Identifiers: MedGen C0009405, MeSH D003123.
Lynch syndrome 5 (LYNCH5). Also called: Colorectal cancer, hereditary nonpolyposis, type 5; Hereditary non-polyposis colorectal cancer, type 5. Identifiers: Orphanet 144, MedGen C1833477, MONDO:0013710, OMIM 614350. Disease mechanism: loss of function.

Submissions (2):

Labcorp Genetics (formerly Invitae), Labcorp
Classification: Pathogenic for Hereditary nonpolyposis colorectal neoplasms. Last evaluated: 2025-11-27. Review status: criteria provided, single submitter. Criteria: Invitae Variant Classification Sherloc (09022015). Collection method: clinical testing. Allele origin: germline.
Comment: This sequence change creates a premature translational stop signal (p.Leu1080Cysfs*10) in the MSH6 gene. It is expected to result in an absent or disrupted protein product. Loss-of-function variants in MSH6 are known to be pathogenic (PMID: 18269114, 24362816). This variant is not present in population databases (gnomAD no frequency). This variant has not been reported in the literature in individuals affected with MSH6-related conditions. ClinVar contains an entry for this variant (Variation ID: 455242). For these reasons, this variant has been classified as Pathogenic.

Myriad Genetics, Inc.
Classification: Pathogenic for Lynch syndrome 5. Last evaluated: 2023-08-22. Review status: criteria provided, single submitter. Criteria: Myriad Autosomal Dominant, Autosomal Recessive and X-Linked Classification Criteria (2023). Collection method: clinical testing. Allele origin: unknown.
Comment: This variant is considered pathogenic. This variant creates a frameshift predicted to result in premature protein truncation.

Literature cited by the submitters: PubMed 18269114 (cited by Labcorp Genetics (formerly Invitae), Labcorp); PubMed 24362816 (cited by Labcorp Genetics (formerly Invitae), Labcorp).

NM_000179.3(MSH6):c.3238del (p.Leu1080fs)

Gene: MSH6 (mutS homolog 6; plus strand). Cytogenetic location: 2p16.3.
Variant type: Deletion.
Coding change: c.3238del on transcript NM_000179.3 (MANE Select); coding-DNA position 3238, one base deleted (C; older notation c.3238delC).
Protein change: p.Leu1080fs; shifts the reading frame from leucine 1080.
Molecular consequence: frameshift variant.
Genome position (GRCh38, 1-based): chr2:47,803,485, C deleted. VCF-style (leftmost placement, unchanged base first): chr2-47803484-TC-T. GRCh37 (hg19) VCF-style: chr2-48030623-TC-T.
Other names: c.3238delC (NM_000179.2); c.2848del, p.Leu950fs (NM_001281492.2); c.2332del, p.Leu778fs (NM_001281493.2, NM_001281494.2); short protein forms L778fs, L950fs, L1080fs.
Identifiers: ClinVar variation 455242 (VCV000455242.10), dbSNP rs1553331337, ClinGen allele CA658655686.
Genomic context (GRCh38, chr2:47,803,484, plus strand): 5'-TTTACTGTGCCTGGCTAACTATAGTCGAGGGGGTGATGGTCCTATGTGTCGCCCAGTAAT[TC>T]TGTTGCCGGAAGATACCCCCCCCTTCTTAGAGCTTAAAGGATCACGCCATCCTTGCATTA-3'